The following is an entry in ClinVar:

NM_001170629.2(CHD8):c.2576A>G (p.His859Arg)

Gene: CHD8 (chromodomain helicase DNA binding protein 8; minus strand). Cytogenetic location: 14q11.2.
Variant type: single nucleotide variant.
Coding change: c.2576A>G on transcript NM_001170629.2 (MANE Select); coding-DNA position 2576, A replaced by G.
Protein change: p.His859Arg; replaces histidine 859 with arginine.
Molecular consequence: missense variant.
Genome position (GRCh38, 1-based): chr14:21,408,466, T>C on the plus strand (A>G on the coding strand, the complement: CHD8 is on the minus strand). VCF-style: chr14-21408466-T-C. GRCh37 (hg19) VCF-style: chr14-21876625-T-C.
Other names: c.1739A>G, p.His580Arg (NM_020920.4); c.2576A>G (NM_001170629.1); short protein forms H580R, H859R.
Identifiers: ClinVar variation 3384965 (VCV003384965.3).

ClinVar aggregate classification (germline): Uncertain significance. Review status: criteria provided, multiple submitters, no conflicts (2 of 4 stars). 2 submissions from 2 submitters: Uncertain significance (2). Last evaluated 2026-08-27.

gnomAD v4.1: 2 of 1,613,984 alleles (0.00012%); highest among the groups gnomAD compares: Non-Finnish European, 0.00017%; no homozygotes.

Submissions (2):

GeneDx
Classification: Uncertain significance. Last evaluated: 2026-08-27. Review status: criteria provided, single submitter. Criteria: GeneDx Variant Classification Process June 2021. Collection method: clinical testing. Allele origin: germline.
Comment: Not observed at significant frequency in large population cohorts (gnomAD); In silico analysis suggests that this missense variant does not alter protein structure/function; Has not been previously published as pathogenic or benign to our knowledge

Women's Health and Genetics/Laboratory Corporation of America, LabCorp
Classification: Uncertain significance. Last evaluated: 2024-10-03. Review status: criteria provided, single submitter. Criteria: LabCorp Variant Classification Summary - May 2015. Collection method: clinical testing. Allele origin: germline.
Comment: Variant summary: CHD8 c.2576A>G (p.His859Arg) results in a non-conservative amino acid change located in the Helicase superfamily 1/2, ATP-binding domain (IPR014001) of the encoded protein sequence. Three of five in-silico tools predict a benign effect of the variant on protein function. The variant was absent in 249112 control chromosomes. The available data on variant occurrences in the general population are insufficient to allow any conclusion about variant significance. To our knowledge, no occurrence of c.2576A>G in individuals affected with CHD8-Related Disorders and no experimental evidence demonstrating its impact on protein function have been reported. No submitters have cited clinical-significance assessments for this variant to ClinVar. Based on the evidence outlined above, the variant was classified as uncertain significance.